The following is an entry in ClinVar:

NM_002160.4(TNC):c.1171C>T (p.Arg391Trp)

Gene: TNC (tenascin C; minus strand). Cytogenetic location: 9q33.1.
Variant type: single nucleotide variant.
Coding change: c.1171C>T on transcript NM_002160.4 (MANE Select); coding-DNA position 1171, C replaced by T.
Protein change: p.Arg391Trp; replaces arginine 391 with tryptophan.
Molecular consequence: missense variant.
Genome position (GRCh38, 1-based): chr9:115,086,560, G>A on the plus strand (C>T on the coding strand, the complement: TNC is on the minus strand). VCF-style: chr9-115086560-G-A. GRCh37 (hg19) VCF-style: chr9-117848839-G-A.
Other names: c.1171C>T, p.Arg391Trp (NM_001410991.1); short protein forms R391W.
Identifiers: ClinVar variation 3629888 (VCV003629888.2).

ClinVar aggregate classification (germline): Uncertain significance (1 of 4 stars; one submission).

gnomAD v4.1: 200 of 1,613,290 alleles (0.012%); highest among the groups gnomAD compares: East Asian, 0.047%; no homozygotes.

Submission:

Women's Health and Genetics/Laboratory Corporation of America, LabCorp
Classification: Uncertain significance. Last evaluated: 2025-10-29. Review status: criteria provided, single submitter. Criteria: LabCorp Variant Classification Summary - May 2015. Collection method: clinical testing. Allele origin: germline.
Comment: Variant summary: TNC c.1171C>T (p.Arg391Trp) results in a non-conservative amino acid change located in the EGF-like domain (IPR000742) of the encoded protein sequence. Algorithms developed to predict the effect of missense changes on protein structure and function are either unavailable or do not agree on the potential impact of this missense change. The variant allele was found at a frequency of 5.6e-05 in 251298 control chromosomes. This frequency is not significantly higher than estimated for disease-causing variants in TNC, allowing no conclusion about variant significance. c.1171C>T has been observed in the heterozygous state in at least one individual affected with bilateral down-sloping sensorineural hearing loss (example: Kim_2022). This report does not provide unequivocal conclusions about association of the variant with Deafness, Autosomal Dominant 56. To our knowledge, no experimental evidence demonstrating an impact on protein function has been reported. The following publication has been ascertained in the context of this evaluation (PMID: 33753533). ClinVar contains an entry for this variant (Variation ID: 3629888). Based on the evidence outlined above, the variant was classified as uncertain significance.

Literature cited by the submitters: PubMed 33753533.